The following is an entry in ClinVar:

ClinVar aggregate classification (germline): Likely pathogenic. Review status: criteria provided, single submitter (1 of 4 stars). 2 submissions from 2 submitters: Likely pathogenic (1). 1 of the submissions does not count toward it. Last evaluated 2025-08-25.

Conditions:
Polycystic kidney disease 4 (PKD4). Also called: Autosomal Recessive Polycystic Kidney Disease – PKHD1; POLYCYSTIC KIDNEY AND HEPATIC DISEASE 1; POLYCYSTIC KIDNEY DISEASE, INFANTILE, TYPE I; POLYCYSTIC KIDNEY DISEASE 4 WITH OR WITHOUT POLYCYSTIC LIVER DISEASE; PKD3. Identifiers: MedGen C4540575, MONDO:0033004, OMIM 263200.
Autosomal recessive polycystic kidney disease (ARPKD). Also called: AR polycystic kidney disease. Identifiers: Orphanet 731, Orphanet 8378, MedGen C0085548, MeSH D017044, MONDO:0009889.

Submissions (2):

Natera, Inc.
Classification: Likely pathogenic for Autosomal recessive polycystic kidney disease. Last evaluated: 2025-08-25. Review status: criteria provided, single submitter. Criteria: Natera Variant Classification Schema (03/2026). Collection method: clinical testing. Allele origin: germline.
Comment: The c.4822_4823delAT variant in PKHD1 is a frameshift variant predicted to shift the reading frame and introduce a stop codon. This variant is expected to result in nonsense mediated decay, truncation, or a dysfunctional protein product. This variant is rare in the general population with a frequency below the threshold expected for the associated phenotype(s). Given the available evidence, this variant is classified as Likely Pathogenic.

Counsyl
Classification: Likely pathogenic for Polycystic kidney disease 4. Last evaluated: 2016-03-08. Review status: no assertion criteria provided. Collection method: clinical testing. Allele origin: unknown. Not counted in ClinVar's aggregate classification.

NM_138694.4(PKHD1):c.4822_4823del (p.Tyr1607_Ile1608insTer)

Genes: PKHD1 (PKHD1 ciliary IPT domain containing fibrocystin/polyductin; minus strand), LOC126859690 (MED14-independent group 3 enhancer GRCh37_chr6:51888848-51890047; plus strand). Cytogenetic location: 6p12.2.
Variant type: Microsatellite.
Coding change: c.4822_4823del on transcript NM_138694.4 (MANE Select); coding-DNA positions 4822 to 4823, 2 bases deleted (AT; older notation c.4822_4823delAT).
Protein change: p.Tyr1607_Ile1608insTer.
Molecular consequence: nonsense.
Genome position (GRCh38, 1-based): chr6:52,024,987-52,024,988, AT deleted on the plus strand (AT on the coding strand, the reverse complement: PKHD1 is on the minus strand); deleting any 2 consecutive bases within chr6:52,024,987-52,024,991 gives the same sequence; the c. name uses the placement nearest the transcript's 3' end. VCF-style (leftmost placement, unchanged base first): chr6-52024986-AAT-A. GRCh37 (hg19) VCF-style: chr6-51889784-AAT-A.
Other names: c.4822_4823del, p.Tyr1607_Ile1608insTer (NM_170724.3).
Identifiers: ClinVar variation 370609 (VCV000370609.6), dbSNP rs1057516626, ClinGen allele CA16041052.